The following is an entry in ClinVar:

ClinVar aggregate classification (germline): Uncertain significance (1 of 4 stars; one submission).

Conditions:
Inborn genetic diseases. Identifiers: MedGen C0950123, MeSH D030342.

Submission:

Ambry Genetics
Classification: Uncertain significance for Inborn genetic diseases. Last evaluated: 2026-06-29. Review status: criteria provided, single submitter. Criteria: Ambry Variant Classification Scheme 2023. Collection method: clinical testing. Allele origin: germline.
Comment: The p.N1244S variant (also known as c.3731A>G), located in coding exon 1 of the SAMD9L gene, results from an A to G substitution at nucleotide position 3731. The asparagine at codon 1244 is replaced by serine, an amino acid with highly similar properties. This amino acid position is conserved. In addition, this alteration is predicted to be tolerated by in silico analysis. Based on the available evidence, the clinical significance of this variant remains unclear.

NM_152703.5(SAMD9L):c.3731A>G (p.Asn1244Ser)

Gene: SAMD9L (sterile alpha motif domain containing 9 like; minus strand). Cytogenetic location: 7q21.2.
Variant type: single nucleotide variant.
Coding change: c.3731A>G on transcript NM_152703.5 (MANE Select); coding-DNA position 3731, A replaced by G.
Protein change: p.Asn1244Ser; replaces asparagine 1244 with serine.
Molecular consequence: missense variant.
Genome position (GRCh38, 1-based): chr7:93,132,241, T>C on the plus strand (A>G on the coding strand, the complement: SAMD9L is on the minus strand). VCF-style: chr7-93132241-T-C. GRCh37 (hg19) VCF-style: chr7-92761554-T-C.
Other names: c.3731A>G, p.Asn1244Ser (NM_001303496.3, NM_001303497.3, NM_001303498.3 and 5 more transcripts); short protein forms N1244S.
Identifiers: ClinVar variation 5028863 (VCV005028863.1).